The following is an entry in ClinVar:

NM_021930.6(RINT1):c.626T>C (p.Leu209Pro)

Gene: RINT1 (RAD50 interactor 1; plus strand). Cytogenetic location: 7q22.3.
Variant type: single nucleotide variant.
Coding change: c.626T>C on transcript NM_021930.6 (MANE Select); coding-DNA position 626, T replaced by C.
Protein change: p.Leu209Pro; replaces leucine 209 with proline.
Molecular consequence: missense variant. On other transcripts: 5 prime UTR variant (2), non-coding transcript variant (1), intron variant (1).
Genome position (GRCh38, 1-based): chr7:105,547,020, T>C. VCF-style: chr7-105547020-T-C. GRCh37 (hg19) VCF-style: chr7-105187467-T-C.
Other names: c.392T>C, p.Leu131Pro (NM_001346599.2); c.-394T>C (NM_001346600.2); c.-297T>C (NM_001346601.2); c.-27-3035T>C (NM_001346603.2); c.626T>C (NM_021930.4); short protein forms L209P, L131P.
Identifiers: ClinVar variation 2739746 (VCV002739746.4), dbSNP rs1562847287, ClinGen allele CA368805641.
Genomic context (GRCh38, chr7:105,547,020, plus strand): 5'-CCACTCTAGTGTCTATGGCAGAACTTGACATTAAACTTCAGGAATCATCTTGTACTCATC[T>C]TCTTGGTTTCATGAGAGCCACAGTTAAATTCTGGCATAAAATTCTCAAGGACAAGCTTAC-3'
Protein context (NP_068749.3, residues 199-219): IKLQESSCTH[Leu209Pro]LGFMRATVKF

ClinVar aggregate classification (germline): Uncertain significance. Review status: criteria provided, multiple submitters, no conflicts (2 of 4 stars). 2 submissions from 2 submitters: Uncertain significance (2). Last evaluated 2023-12-24.

Allele frequency attached by ClinVar (database versions not stated): gnomAD exomes 0.00001.
gnomAD v4.1: 8 of 1,614,068 alleles (0.0005%); highest among the groups gnomAD compares: Non-Finnish European, 0.00068%; no homozygotes.

Submissions (2):

Ambry Genetics
Classification: Uncertain significance. Last evaluated: 2023-12-24. Review status: criteria provided, single submitter. Criteria: Ambry Variant Classification Scheme 2023. Collection method: clinical testing. Allele origin: germline.
Comment: The p.L209P variant (also known as c.626T>C), located in coding exon 5 of the RINT1 gene, results from a T to C substitution at nucleotide position 626. The leucine at codon 209 is replaced by proline, an amino acid with similar properties. This amino acid position is conserved. In addition, this alteration is predicted to be deleterious by in silico analysis. Since supporting evidence is limited at this time, the clinical significance of this alteration remains unclear.

Labcorp Genetics (formerly Invitae), Labcorp
Classification: Uncertain significance. Last evaluated: 2023-10-31. Review status: criteria provided, single submitter. Criteria: Invitae Variant Classification Sherloc (09022015). Collection method: clinical testing. Allele origin: germline.
Comment: This sequence change replaces leucine, which is neutral and non-polar, with proline, which is neutral and non-polar, at codon 209 of the RINT1 protein (p.Leu209Pro). This variant is not present in population databases (gnomAD no frequency). This variant has not been reported in the literature in individuals affected with RINT1-related conditions. An algorithm developed to predict the effect of missense changes on protein structure and function (PolyPhen-2) suggests that this variant is likely to be disruptive. In summary, the available evidence is currently insufficient to determine the role of this variant in disease. Therefore, it has been classified as a Variant of Uncertain Significance.